The following is an entry in ClinVar:

NM_015374.3(SUN2):c.1826G>C (p.Gly609Ala)

Genes: GTPBP1 (GTP binding protein 1; plus strand), SUN2 (Sad1 and UNC84 domain containing 2; minus strand). Cytogenetic location: 22q13.1.
Variant type: single nucleotide variant.
Coding change: c.1826G>C on transcript NM_015374.3 (MANE Select); coding-DNA position 1826, G replaced by C.
Protein change: p.Gly609Ala; replaces glycine 609 with alanine.
Molecular consequence: missense variant.
Genome position (GRCh38, 1-based): chr22:38,738,708, C>G on the plus strand (G>C on the coding strand, the complement: SUN2 is on the minus strand). VCF-style: chr22-38738708-C-G. GRCh37 (hg19) VCF-style: chr22-39134713-C-G.
Other names: c.1889G>C, p.Gly630Ala (NM_001199579.2, NM_001394428.1); c.1826G>C, p.Gly609Ala (NM_001199580.2, NM_001394431.1, NM_001394432.1 and 3 more transcripts); c.1919G>C, p.Gly640Ala (NM_001394427.1); c.1871G>C, p.Gly624Ala (NM_001394429.1, NM_001394430.1); c.1823G>C, p.Gly608Ala (NM_001394436.1, NM_001394437.1); c.1736G>C, p.Gly579Ala (NM_001394438.1); c.1688G>C, p.Gly563Ala (NM_001394439.1, NM_001394440.1, NM_001394441.1); c.1427G>C, p.Gly476Ala (NM_001394442.1); and 2 more; short protein forms G445A, G476A, G579A, G609A, G624A, G417A, G608A, G640A.
Identifiers: ClinVar variation 1470990 (VCV001470990.8), dbSNP rs949979981, ClinGen allele CA324298651.

ClinVar aggregate classification (germline): Uncertain significance (1 of 4 stars; one submission).

Conditions:
Emery-Dreifuss muscular dystrophy (EDMD). Also called: Scapuloperoneal syndrome, X-linked (formerly); Humeroperoneal neuromuscular disease, (formerly). Identifiers: Orphanet 261, MedGen C0410189, MONDO:0016830.

Allele frequency attached by ClinVar (database versions not stated): TOPMed 0.00002.

Submission:

Labcorp Genetics (formerly Invitae), Labcorp
Classification: Uncertain significance for Emery-Dreifuss muscular dystrophy. Last evaluated: 2021-05-30. Review status: criteria provided, single submitter. Criteria: Invitae Variant Classification Sherloc (09022015). Collection method: clinical testing. Allele origin: germline.
Comment: Algorithms developed to predict the effect of missense changes on protein structure and function (SIFT, PolyPhen-2, Align-GVGD) all suggest that this variant is likely to be disruptive, but these predictions have not been confirmed by published functional studies and their clinical significance is uncertain. In summary, the available evidence is currently insufficient to determine the role of this variant in disease. Therefore, it has been classified as a Variant of Uncertain Significance. This variant has not been reported in the literature in individuals with SUN2-related conditions. This variant is not present in population databases (ExAC no frequency). This sequence change replaces glycine with alanine at codon 609 of the SUN2 protein (p.Gly609Ala). The glycine residue is highly conserved and there is a small physicochemical difference between glycine and alanine.